The following is an entry in ClinVar:

NM_001734.5(C1S):c.1029_1038del (p.Asn344fs)

Gene: C1S (complement C1s; plus strand). Cytogenetic location: 12p13.31.
Variant type: Deletion.
Coding change: c.1029_1038del on transcript NM_001734.5 (MANE Select); coding-DNA positions 1029 to 1038, 10 bases deleted (CAATGGAAAG; older notation c.1029_1038delCAATGGAAAG).
Protein change: p.Asn344fs; shifts the reading frame from asparagine 344.
Molecular consequence: frameshift variant.
Genome position (GRCh38, 1-based): chr12:7,067,080-7,067,089, CAATGGAAAG deleted; deleting any 10 consecutive bases within chr12:7,067,076-7,067,089 gives the same sequence; the c. name uses the placement nearest the transcript's 3' end. VCF-style (leftmost placement, unchanged base first): chr12-7067075-CAAAGCAATGG-C. GRCh37 (hg19) VCF-style: chr12-7174379-CAAAGCAATGG-C.
Other names: c.528_537del, p.Asn177fs (NM_001346850.2); c.1029_1038del, p.Asn344fs (NM_201442.4); short protein forms N344fs, N177fs.
Identifiers: ClinVar variation 2857893 (VCV002857893.3), dbSNP rs2539602448, ClinGen allele CA2739271847.

ClinVar aggregate classification (germline): Pathogenic (1 of 4 stars; one submission).

Submission:

Labcorp Genetics (formerly Invitae), Labcorp
Classification: Pathogenic. Last evaluated: 2023-04-20. Review status: criteria provided, single submitter. Criteria: Invitae Variant Classification Sherloc (09022015). Collection method: clinical testing. Allele origin: germline.
Comment: This sequence change creates a premature translational stop signal (p.Asn344Glyfs*6) in the C1S gene. It is expected to result in an absent or disrupted protein product. Loss-of-function variants in C1S are known to be pathogenic (PMID: 18062908). This variant has not been reported in the literature in individuals affected with C1S-related conditions. This variant is not present in population databases (gnomAD no frequency). For these reasons, this variant has been classified as Pathogenic. Algorithms developed to predict the effect of sequence changes on RNA splicing suggest that this variant may disrupt the consensus splice site.

Literature cited by the submitters: PubMed 18062908.